The following is an entry in ClinVar:

NM_001374736.1(DST):c.12229G>C (p.Ala4077Pro)

Gene: DST (dystonin; minus strand). Cytogenetic location: 6p12.1.
Variant type: single nucleotide variant.
Coding change: c.12229G>C on transcript NM_001374736.1 (MANE Select); coding-DNA position 12229, G replaced by C.
Protein change: p.Ala4077Pro; replaces alanine 4077 with proline.
Molecular consequence: missense variant.
Genome position (GRCh38, 1-based): chr6:56,594,160, C>G on the plus strand (G>C on the coding strand, the complement: DST is on the minus strand). VCF-style: chr6-56594160-C-G. GRCh37 (hg19) VCF-style: chr6-56458958-C-G.
Other names: c.5872G>C, p.Ala1958Pro (NM_001144769.5); c.5458G>C, p.Ala1820Pro (NM_001144770.2); c.12229G>C, p.Ala4077Pro (NM_001374722.1); c.11596G>C, p.Ala3866Pro (NM_001374729.1); c.5338G>C, p.Ala1780Pro (NM_001374730.1, NM_001386100.1, NM_183380.4); c.12256G>C, p.Ala4086Pro (NM_001374734.1); c.4360G>C, p.Ala1454Pro (NM_015548.5); short protein forms A1454P, A1820P, A3866P, A1780P, A1958P, A4086P, A4077P.
Identifiers: ClinVar variation 1750208 (VCV001750208.2), dbSNP rs2536159890, ClinGen allele CA364527216.

ClinVar aggregate classification (germline): Uncertain significance (1 of 4 stars; one submission).

Conditions:
Inborn genetic diseases. Identifiers: MedGen C0950123, MeSH D030342.

Allele frequency attached by ClinVar (database versions not stated): gnomAD exomes below 0.00001.
gnomAD v4.1: 1 of 1,554,688 alleles (0.000064%); highest among the groups gnomAD compares: Non-Finnish European, 0.000087%; no homozygotes.

Submission:

Ambry Genetics
Classification: Uncertain significance for Inborn genetic diseases. Last evaluated: 2020-11-03. Review status: criteria provided, single submitter. Criteria: Ambry Variant Classification Scheme 2023. Collection method: clinical testing. Allele origin: germline.
Comment: The p.A1958P variant (also known as c.5872G>C), located in coding exon 42 of the DST gene, results from a G to C substitution at nucleotide position 5872. The alanine at codon 1958 is replaced by proline, an amino acid with highly similar properties. This amino acid position is well conserved in available vertebrate species. In addition, the in silico prediction for this alteration is inconclusive. Since supporting evidence is limited at this time, the clinical significance of this alteration remains unclear.